The following is an entry in ClinVar:

NM_022124.6(CDH23):c.6253_6254insC (p.Gly2085fs)

Gene: CDH23 (cadherin related 23; plus strand). Cytogenetic location: 10q22.1.
Variant type: Insertion.
Coding change: c.6253_6254insC on transcript NM_022124.6 (MANE Select); coding-DNA positions 6253 to 6254, C inserted.
Protein change: p.Gly2085fs; shifts the reading frame from glycine 2085.
Molecular consequence: frameshift variant.
Genome position: GRCh38 VCF-style: chr10-71793181-G-GC. GRCh37 (hg19) VCF-style: chr10-73552938-G-GC.
Other names: c.6254-1_6254insC (NM_022124.6); short protein forms G2085fs.
Identifiers: ClinVar variation 1319970 (VCV001319970.2), dbSNP rs2132953243, ClinGen allele CA2573053290.

ClinVar aggregate classification (germline): Likely pathogenic (1 of 4 stars; one submission).

Conditions:
Usher syndrome type 1D (USH1D). Also called: USHER SYNDROME, TYPE ID. Identifiers: Orphanet 231169, Orphanet 886, MedGen C1832845, MONDO:0010984, OMIM 601067.

Submission:

GeneID Lab - Advanced Molecular Diagnostics
Classification: Likely pathogenic for Usher syndrome type 1D. Last evaluated: 2018-07-27. Review status: criteria provided, single submitter. Criteria: ACMG Guidelines, 2015. Collection method: clinical testing. Allele origin: germline. Affected: no. Observed: 1 variant allele.
Comment: This variant inserts one nucleotide resulting in an amino acid alteration, replacing a Glycine (G) with a leucine (L) at position 2085, creating a premature stop signal in the new reading frame. The substitution is predicted to result in a non-functional CDH23 protein either through protein truncation or nonsense-mediated mRNA decay and its effects at the protein level has not been assessed in functional studies. Based on these findings and the limited literature regarding this substitution we consider it as a “likely pathogenic variant”.